The following is an entry in ClinVar:

NM_020949.3(SLC7A14):c.710A>G (p.Asn237Ser)

Genes: SLC7A14 (solute carrier family 7 member 14; minus strand), SLC7A14-AS1 (SLC7A14 antisense RNA 1; plus strand). Cytogenetic location: 3q26.2.
Variant type: single nucleotide variant.
Coding change: c.710A>G on transcript NM_020949.3 (MANE Select); coding-DNA position 710, A replaced by G.
Protein change: p.Asn237Ser; replaces asparagine 237 with serine.
Molecular consequence: missense variant.
Genome position (GRCh38, 1-based): chr3:170,498,716, T>C on the plus strand (A>G on the coding strand, the complement: SLC7A14 is on the minus strand). VCF-style: chr3-170498716-T-C. GRCh37 (hg19) VCF-style: chr3-170216505-T-C.
Other names: c.710A>G (NM_020949.2); short protein forms N237S.
Identifiers: ClinVar variation 1402324 (VCV001402324.8), dbSNP rs780039912, ClinGen allele CA2701851.

ClinVar aggregate classification (germline): Uncertain significance. Review status: criteria provided, multiple submitters, no conflicts (2 of 4 stars). 2 submissions from 2 submitters: Uncertain significance (2). Last evaluated 2025-02-06.

gnomAD v4.1: 8 of 1,614,044 alleles (0.0005%); highest among the groups gnomAD compares: Admixed American, 0.0067%; no homozygotes.

Submissions (2):

Ambry Genetics
Classification: Uncertain significance. Last evaluated: 2025-02-06. Review status: criteria provided, single submitter. Criteria: Ambry Variant Classification Scheme 2023. Collection method: clinical testing. Allele origin: germline.

Labcorp Genetics (formerly Invitae), Labcorp
Classification: Uncertain significance. Last evaluated: 2023-11-20. Review status: criteria provided, single submitter. Criteria: Invitae Variant Classification Sherloc (09022015). Collection method: clinical testing. Allele origin: germline.
Comment: This sequence change replaces asparagine, which is neutral and polar, with serine, which is neutral and polar, at codon 237 of the SLC7A14 protein (p.Asn237Ser). This variant is present in population databases (rs780039912, gnomAD 0.009%). This variant has not been reported in the literature in individuals affected with SLC7A14-related conditions. ClinVar contains an entry for this variant (Variation ID: 1402324). Algorithms developed to predict the effect of missense changes on protein structure and function output the following: SIFT: "Not Available"; PolyPhen-2: "Benign"; Align-GVGD: "Not Available". The serine amino acid residue is found in multiple mammalian species, which suggests that this missense change does not adversely affect protein function. In summary, the available evidence is currently insufficient to determine the role of this variant in disease. Therefore, it has been classified as a Variant of Uncertain Significance.